The following is an entry in ClinVar:

ClinVar aggregate classification (germline): Uncertain significance. Review status: criteria provided, multiple submitters, no conflicts (2 of 4 stars). 2 submissions from 2 submitters: Uncertain significance (2). Last evaluated 2025-12-10.

Allele frequency attached by ClinVar (database versions not stated): ExAC 0.00001; gnomAD exomes 0.00001 and 0.00004; TOPMed 0.00001.

Submissions (2):

Ambry Genetics
Classification: Uncertain significance. Last evaluated: 2025-12-10. Review status: criteria provided, single submitter. Criteria: Ambry Variant Classification Scheme 2023. Collection method: clinical testing. Allele origin: germline.

Labcorp Genetics (formerly Invitae), Labcorp
Classification: Uncertain significance. Last evaluated: 2024-04-15. Review status: criteria provided, single submitter. Criteria: Invitae Variant Classification Sherloc (09022015). Collection method: clinical testing. Allele origin: germline.
Comment: This sequence change replaces alanine, which is neutral and non-polar, with threonine, which is neutral and polar, at codon 904 of the RNF31 protein (p.Ala904Thr). This variant is present in population databases (rs773801411, gnomAD 0.01%). This variant has not been reported in the literature in individuals affected with RNF31-related conditions. ClinVar contains an entry for this variant (Variation ID: 1346736). Algorithms developed to predict the effect of missense changes on protein structure and function output the following: SIFT: "Not Available"; PolyPhen-2: "Benign"; Align-GVGD: "Not Available". The threonine amino acid residue is found in multiple mammalian species, which suggests that this missense change does not adversely affect protein function. In summary, the available evidence is currently insufficient to determine the role of this variant in disease. Therefore, it has been classified as a Variant of Uncertain Significance.

NM_017999.5(RNF31):c.2710G>A (p.Ala904Thr)

Gene: RNF31 (ring finger protein 31; plus strand). Cytogenetic location: 14q12.
Variant type: single nucleotide variant.
Coding change: c.2710G>A on transcript NM_017999.5 (MANE Select); coding-DNA position 2710, G replaced by A.
Protein change: p.Ala904Thr; replaces alanine 904 with threonine.
Molecular consequence: missense variant.
Genome position (GRCh38, 1-based): chr14:24,157,621, G>A. VCF-style: chr14-24157621-G-A. GRCh37 (hg19) VCF-style: chr14-24626830-G-A.
Other names: c.2710G>A (NM_017999.4); c.2257G>A, p.Ala753Thr (NM_001310332.2); short protein forms A904T, A753T.
Identifiers: ClinVar variation 1346736 (VCV001346736.7), dbSNP rs773801411, ClinGen allele CA7126140.